The following is an entry in ClinVar:

NM_001079872.2(CUL4B):c.76G>A (p.Gly26Ser)

Genes: CUL4B (cullin 4B; minus strand), LOC113845788 (Sharpr-MPRA regulatory region 11856; plus strand). Cytogenetic location: Xq24.
Variant type: single nucleotide variant.
Coding change: c.76G>A on transcript NM_001079872.2 (MANE Select); coding-DNA position 76, G replaced by A.
Protein change: p.Gly26Ser; replaces glycine 26 with serine.
Molecular consequence: missense variant.
Genome position (GRCh38, 1-based): chrX:120,560,563, C>T on the plus strand (G>A on the coding strand, the complement: CUL4B is on the minus strand). VCF-style: chrX-120560563-C-T. GRCh37 (hg19) VCF-style: chrX-119694418-C-T.
Other names: c.91G>A, p.Gly31Ser (NM_001330624.2); c.130G>A, p.Gly44Ser (NM_003588.4); short protein forms G26S, G31S, G44S.
Identifiers: ClinVar variation 2076534 (VCV002076534.6), dbSNP rs2521201303, ClinGen allele CA414206215.

ClinVar aggregate classification (germline): Uncertain significance. Review status: criteria provided, multiple submitters, no conflicts (2 of 4 stars). 2 submissions from 2 submitters: Uncertain significance (2). Last evaluated 2026-03-16.

Conditions:
X-linked intellectual disability Cabezas type (MRXSC). Also called: CABEZAS SYNDROME; MENTAL RETARDATION, X-LINKED, SYNDROMIC 15; Intellectual developmental disorder, X-linked syndromic, Cabezas type. Identifiers: Orphanet 85289, Orphanet 85293, MedGen C1845861, MONDO:0010306, OMIM 300354.

Submissions (2):

Dasa
Classification: Uncertain significance. Last evaluated: 2026-03-16. Review status: criteria provided, single submitter. Criteria: DASA Assertion Criteria. Collection method: clinical testing. Allele origin: germline.
Comment: NM_001079872.2(CUL4B):c.76G>A (p.Gly26Ser) is a missense variant that results in the substitution of glycine with serine. This variant is absent from population databases. The currently available literature and clinical evidence are not sufficient to establish a definitive association between this variant and the reported condition. Therefore, this variant is classified as a variant of uncertain significance.

Labcorp Genetics (formerly Invitae), Labcorp
Classification: Uncertain significance for X-linked intellectual disability Cabezas type. Last evaluated: 2022-03-27. Review status: criteria provided, single submitter. Criteria: Invitae Variant Classification Sherloc (09022015). Collection method: clinical testing. Allele origin: germline.
Comment: Algorithms developed to predict the effect of missense changes on protein structure and function (SIFT, PolyPhen-2, Align-GVGD) all suggest that this variant is likely to be tolerated. This variant has not been reported in the literature in individuals affected with CUL4B-related conditions. This variant is not present in population databases (gnomAD no frequency). This sequence change replaces glycine, which is neutral and non-polar, with serine, which is neutral and polar, at codon 44 of the CUL4B protein (p.Gly44Ser). In summary, the available evidence is currently insufficient to determine the role of this variant in disease. Therefore, it has been classified as a Variant of Uncertain Significance.